The following is an entry in ClinVar:

ClinVar aggregate classification (germline): Uncertain significance. Review status: criteria provided, multiple submitters, no conflicts (2 of 4 stars). 3 submissions from 3 submitters: Uncertain significance (3). Last evaluated 2025-07-02.

Conditions:
Hajdu-Cheney syndrome (HJCYS). Also called: SERPENTINE FIBULA-POLYCYSTIC KIDNEY SYNDROME; ACROOSTEOLYSIS WITH OSTEOPOROSIS AND CHANGES IN SKULL AND MANDIBLE; Acroosteolysis dominant type. Identifiers: Orphanet 955, MedGen C0917715, MONDO:0007057, OMIM 102500.
NOTCH2-related disorder. Also called: NOTCH2-related condition.

Allele frequency attached by ClinVar (database versions not stated): gnomAD 0.00001; gnomAD exomes 0.00001; TOPMed 0.00001.
gnomAD v4.1: 10 of 1,613,986 alleles (0.00062%); highest among the groups gnomAD compares: Non-Finnish European, 0.00068%; no homozygotes.

Submissions (3):

GeneDx
Classification: Uncertain significance. Last evaluated: 2025-07-02. Review status: criteria provided, single submitter. Criteria: GeneDx Variant Classification Process June 2021. Collection method: clinical testing. Allele origin: germline. Affected: yes.
Comment: In silico analysis supports that this missense variant has a deleterious effect on protein structure/function; Has not been previously published as pathogenic or benign to our knowledge

PreventionGenetics, part of Exact Sciences
Classification: Uncertain significance for NOTCH2-related condition. Last evaluated: 2024-12-18. Review status: criteria provided, single submitter. Criteria: ACMG Guidelines, 2015. Collection method: clinical testing. Allele origin: germline.
Comment: The NOTCH2 c.2126C>T variant is predicted to result in the amino acid substitution p.Pro709Leu. To our knowledge, this variant has not been reported in the literature. This variant is reported in 0.0099% of alleles in individuals of Ashkenazi Jewish descent in gnomAD. At this time, the clinical significance of this variant is uncertain due to the absence of conclusive functional and genetic evidence.

Labcorp Genetics (formerly Invitae), Labcorp
Classification: Uncertain significance for Hajdu-Cheney syndrome. Last evaluated: 2023-08-17. Review status: criteria provided, single submitter. Criteria: Invitae Variant Classification Sherloc (09022015). Collection method: clinical testing. Allele origin: germline.
Comment: In summary, the available evidence is currently insufficient to determine the role of this variant in disease. Therefore, it has been classified as a Variant of Uncertain Significance. An algorithm developed to predict the effect of missense changes on protein structure and function (PolyPhen-2) suggests that this variant is likely to be disruptive. This variant has not been reported in the literature in individuals affected with NOTCH2-related conditions. This variant is present in population databases (no rsID available, gnomAD 0.01%). This sequence change replaces proline, which is neutral and non-polar, with leucine, which is neutral and non-polar, at codon 709 of the NOTCH2 protein (p.Pro709Leu).

NM_024408.4(NOTCH2):c.2126C>T (p.Pro709Leu)

Gene: NOTCH2 (notch receptor 2; minus strand). Cytogenetic location: 1p12.
Variant type: single nucleotide variant.
Coding change: c.2126C>T on transcript NM_024408.4 (MANE Select); coding-DNA position 2126, C replaced by T.
Protein change: p.Pro709Leu; replaces proline 709 with leucine.
Molecular consequence: missense variant.
Genome position (GRCh38, 1-based): chr1:119,955,133, G>A on the plus strand (C>T on the coding strand, the complement: NOTCH2 is on the minus strand). VCF-style: chr1-119955133-G-A. GRCh37 (hg19) VCF-style: chr1-120497756-G-A.
Other names: c.2126C>T, p.Pro709Leu (NM_001200001.2); c.2126C>T (NM_024408.3); short protein forms P709L.
Identifiers: ClinVar variation 2917173 (VCV002917173.5), dbSNP rs1359498930, ClinGen allele CA341866458.